The following is an entry in ClinVar:

NM_004982.4(KCNJ8):c.952A>G (p.Ile318Val)

Genes: KCNJ8 (potassium inwardly rectifying channel subfamily J member 8; minus strand), KCNJ8-AS1 (KCNJ8 antisense RNA 1; plus strand). Cytogenetic location: 12p12.1.
Variant type: single nucleotide variant.
Coding change: c.952A>G on transcript NM_004982.4 (MANE Select); coding-DNA position 952, A replaced by G.
Protein change: p.Ile318Val; replaces isoleucine 318 with valine.
Molecular consequence: missense variant.
Genome position (GRCh38, 1-based): chr12:21,766,046, T>C on the plus strand (A>G on the coding strand, the complement: KCNJ8 is on the minus strand). VCF-style: chr12-21766046-T-C. GRCh37 (hg19) VCF-style: chr12-21918980-T-C.
Identifiers: ClinVar variation 2451394 (VCV002451394.2), dbSNP rs2540720434, ClinGen allele CA384123226.

ClinVar aggregate classification (germline): Uncertain significance (1 of 4 stars; one submission).

Conditions:
Cardiovascular phenotype. Identifiers: MedGen CN230736.

Allele frequency attached by ClinVar (database versions not stated): gnomAD exomes below 0.00001.
gnomAD v4.1: 1 of 1,614,092 alleles (0.000062%); highest among the groups gnomAD compares: South Asian, 0.0011%; no homozygotes.

Submission:

Ambry Genetics
Classification: Uncertain significance for Cardiovascular phenotype. Last evaluated: 2022-11-20. Review status: criteria provided, single submitter. Criteria: Ambry Variant Classification Scheme 2023. Collection method: clinical testing. Allele origin: germline.
Comment: The p.I318V variant (also known as c.952A>G), located in coding exon 2 of the KCNJ8 gene, results from an A to G substitution at nucleotide position 952. The isoleucine at codon 318 is replaced by valine, an amino acid with highly similar properties. This amino acid position is conserved. In addition, the in silico prediction for this alteration is inconclusive. Since supporting evidence is limited at this time, the clinical significance of this alteration remains unclear.